The following is an entry in ClinVar:

ClinVar aggregate classification (germline): Uncertain significance (1 of 4 stars; one submission).

Submission:

Labcorp Genetics (formerly Invitae), Labcorp
Classification: Uncertain significance. Last evaluated: 2024-10-22. Review status: criteria provided, single submitter. Criteria: Invitae Variant Classification Sherloc (09022015). Collection method: clinical testing. Allele origin: germline.
Comment: This sequence change creates a premature translational stop signal (p.Pro248Glnfs*30) in the COL8A2 gene. While this is not anticipated to result in nonsense mediated decay, it is expected to disrupt the last 456 amino acid(s) of the COL8A2 protein. This variant is not present in population databases (gnomAD no frequency). This variant has not been reported in the literature in individuals affected with COL8A2-related conditions. Experimental studies and prediction algorithms are not available or were not evaluated, and the functional significance of this variant is currently unknown. In summary, the available evidence is currently insufficient to determine the role of this variant in disease. Therefore, it has been classified as a Variant of Uncertain Significance.

NM_005202.4(COL8A2):c.743del (p.Pro248fs)

Gene: COL8A2 (collagen type VIII alpha 2 chain; minus strand). Cytogenetic location: 1p34.3.
Variant type: Deletion.
Coding change: c.743del on transcript NM_005202.4 (MANE Select); coding-DNA position 743, one base deleted (C; older notation c.743delC).
Protein change: p.Pro248fs; shifts the reading frame from proline 248.
Molecular consequence: frameshift variant.
Genome position (GRCh38, 1-based): chr1:36,098,938, G deleted on the plus strand (C on the coding strand, the reverse complement: COL8A2 is on the minus strand); the first of 4 consecutive G bases (chr1:36,098,938-36,098,941); deleting any one gives the same sequence. VCF-style (leftmost placement, unchanged base first): chr1-36098937-TG-T. GRCh37 (hg19) VCF-style: chr1-36564538-TG-T.
Other names: c.548del, p.Pro183fs (NM_001294347.2); short protein forms P183fs, P248fs.
Identifiers: ClinVar variation 2719935 (VCV002719935.3), dbSNP rs2524703017, ClinGen allele CA2697552317.